The following is an entry in ClinVar:

NM_002206.3(ITGA7):c.2500C>T (p.Arg834Trp)

Genes: ITGA7 (integrin subunit alpha 7; minus strand), LOC126861535 (CDK7 strongly-dependent group 2 enhancer GRCh37_chr12:56087579-56088778; plus strand). Cytogenetic location: 12q13.2.
Variant type: single nucleotide variant.
Coding change: c.2500C>T on transcript NM_002206.3 (MANE Select); coding-DNA position 2500, C replaced by T.
Protein change: p.Arg834Trp; replaces arginine 834 with tryptophan.
Molecular consequence: missense variant.
Genome position (GRCh38, 1-based): chr12:55,694,056, G>A on the plus strand (C>T on the coding strand, the complement: ITGA7 is on the minus strand). VCF-style: chr12-55694056-G-A. GRCh37 (hg19) VCF-style: chr12-56087840-G-A.
Other names: c.2512C>T, p.Arg838Trp (NM_001144996.2); c.2221C>T, p.Arg741Trp (NM_001144997.2); c.2173C>T, p.Arg725Trp (NM_001367993.1); c.1156C>T, p.Arg386Trp (NM_001367994.1); c.2482C>T, p.Arg828Trp (NM_001374465.1); c.2632C>T, p.Arg878Trp (NM_001410977.1); c.2494C>T, p.Arg832Trp (NM_001414029.1); c.2425C>T, p.Arg809Trp (NM_001414030.1); and 5 more; short protein forms R725W, R828W, R741W, R386W, R834W, R838W, R878W, R809W.
Identifiers: ClinVar variation 1415050 (VCV001415050.5), dbSNP rs770155717, ClinGen allele CA6615577.

ClinVar aggregate classification (germline): Uncertain significance. Review status: criteria provided, multiple submitters, no conflicts (2 of 4 stars). 3 submissions from 3 submitters: Uncertain significance (3). Last evaluated 2024-03-04.

Conditions:
Congenital muscular dystrophy due to integrin alpha-7 deficiency. Also called: MYOPATHY, CONGENITAL, DUE TO INTEGRIN ALPHA-7 DEFICIENCY; Congenital muscular dystrophy with integrin alpha-7 deficiency; Muscular dystrophy, congenital, due to ITGA7 deficiency. Identifiers: Orphanet 34520, MedGen C2750786, MONDO:0013177, OMIM 613204.

Allele frequency attached by ClinVar (database versions not stated): gnomAD exomes below 0.00001 and 0.00001.

Submissions (3):

Revvity Omics, Revvity
Classification: Uncertain significance for Congenital muscular dystrophy due to integrin alpha-7 deficiency. Last evaluated: 2024-03-04. Review status: criteria provided, single submitter. Criteria: ACMG Guidelines, 2015. Collection method: clinical testing. Allele origin: germline.

Labcorp Genetics (formerly Invitae), Labcorp
Classification: Uncertain significance for Congenital muscular dystrophy due to integrin alpha-7 deficiency. Last evaluated: 2022-08-31. Review status: criteria provided, single submitter. Criteria: Invitae Variant Classification Sherloc (09022015). Collection method: clinical testing. Allele origin: germline.
Comment: This sequence change replaces arginine, which is basic and polar, with tryptophan, which is neutral and slightly polar, at codon 834 of the ITGA7 protein (p.Arg834Trp). The frequency data for this variant in the population databases is considered unreliable, as metrics indicate poor data quality at this position in the gnomAD database. This variant has not been reported in the literature in individuals affected with ITGA7-related conditions. ClinVar contains an entry for this variant (Variation ID: 1415050). Algorithms developed to predict the effect of missense changes on protein structure and function output the following: SIFT: "Deleterious"; PolyPhen-2: "Benign"; Align-GVGD: "Class C15". The tryptophan amino acid residue is found in multiple mammalian species, which suggests that this missense change does not adversely affect protein function. Algorithms developed to predict the effect of sequence changes on RNA splicing suggest that this variant may disrupt the consensus splice site. In summary, the available evidence is currently insufficient to determine the role of this variant in disease. Therefore, it has been classified as a Variant of Uncertain Significance.

Breakthrough Genomics
Classification: Uncertain significance. Review status: criteria provided, single submitter. Criteria: ACMG Guidelines, 2015. Collection method: not provided. Allele origin: germline. Inheritance: Autosomal recessive inheritance. Affected: yes.